The following is an entry in ClinVar:

ClinVar aggregate classification (germline): Uncertain significance (1 of 4 stars; one submission).

Conditions:
CHARGE syndrome (CHARGE). Also called: Hittner Hirsch Kreh syndrome; CHARGE ASSOCIATION--COLOBOMA, HEART ANOMALY, CHOANAL ATRESIA, RETARDATION, GENITAL AND EAR ANOMALIES; Coloboma, heart anomaly, choanal atresia, retardation, genital and ear anomalies; CHARGE association; Hall-Hittner syndrome. Identifiers: Orphanet 138, MedGen C0265354, MONDO:0008965.

Submission:

Labcorp Genetics (formerly Invitae), Labcorp
Classification: Uncertain significance for CHARGE syndrome. Last evaluated: 2024-04-22. Review status: criteria provided, single submitter. Criteria: Invitae Variant Classification Sherloc (09022015). Collection method: clinical testing. Allele origin: germline.
Comment: This sequence change replaces proline, which is neutral and non-polar, with serine, which is neutral and polar, at codon 671 of the CHD7 protein (p.Pro671Ser). This variant is not present in population databases (gnomAD no frequency). This variant has not been reported in the literature in individuals affected with CHD7-related conditions. Advanced modeling of protein sequence and biophysical properties (such as structural, functional, and spatial information, amino acid conservation, physicochemical variation, residue mobility, and thermodynamic stability) performed at Invitae indicates that this missense variant is not expected to disrupt CHD7 protein function with a negative predictive value of 95%. In summary, the available evidence is currently insufficient to determine the role of this variant in disease. Therefore, it has been classified as a Variant of Uncertain Significance.

NM_017780.4(CHD7):c.2011C>T (p.Pro671Ser)

Genes: CHD7 (chromodomain helicase DNA binding protein 7; plus strand), LOC126860403 (CDK7 strongly-dependent group 2 enhancer GRCh37_chr8:61693034-61694233; plus strand). Cytogenetic location: 8q12.2.
Variant type: single nucleotide variant.
Coding change: c.2011C>T on transcript NM_017780.4 (MANE Select); coding-DNA position 2011, C replaced by T.
Protein change: p.Pro671Ser; replaces proline 671 with serine.
Molecular consequence: missense variant. On other transcripts: intron variant (1).
Genome position (GRCh38, 1-based): chr8:60,781,345, C>T. VCF-style: chr8-60781345-C-T. GRCh37 (hg19) VCF-style: chr8-61693904-C-T.
Other names: c.1716+295C>T (NM_001316690.1); short protein forms P671S.
Identifiers: ClinVar variation 3637093 (VCV003637093.2).